The following is an entry in ClinVar:

ClinVar aggregate classification (germline): Uncertain significance. Review status: criteria provided, multiple submitters, no conflicts (2 of 4 stars). 7 submissions from 7 submitters: Uncertain significance (6). 1 of the submissions does not count toward it. Last evaluated 2026-06-25.

Conditions:
BBS12-related disorder. Also called: BBS12-related condition.
Bardet-Biedl syndrome 12 (BBS12). Identifiers: Orphanet 110, MedGen C1859570, MONDO:0014440, OMIM 615989.
Bardet-Biedl syndrome (BBS). Identifiers: Orphanet 110, MedGen C0752166, MONDO:0015229.
Inborn genetic diseases. Identifiers: MedGen C0950123, MeSH D030342.

Allele frequency attached by ClinVar (database versions not stated): gnomAD exomes 0.00004 and 0.00007; ExAC 0.00005; gnomAD 0.00014 and 0.00016; TOPMed 0.00016; ESP Exome Variant Server 0.00023.

Submissions (7):

PreventionGenetics, part of Exact Sciences
Classification: Uncertain significance for BBS12-related condition. Last evaluated: 2026-06-25. Review status: criteria provided, single submitter. Criteria: ACMG Guidelines, 2015. Collection method: clinical testing. Allele origin: germline.
Comment: The BBS12 c.2114C>T variant is predicted to result in the amino acid substitution p.Thr705Met. To our knowledge, this variant has not been reported in the literature. This variant is reported in 0.016% of alleles in individuals of African descent in gnomAD. At this time, the clinical significance of this variant is uncertain due to the absence of conclusive functional and genetic evidence.

Ambry Genetics
Classification: Uncertain significance for Inborn genetic diseases. Last evaluated: 2025-11-07. Review status: criteria provided, single submitter. Criteria: Ambry Variant Classification Scheme 2023. Collection method: clinical testing. Allele origin: germline.

Fulgent Genetics
Classification: Uncertain significance for Bardet-Biedl syndrome 12. Last evaluated: 2024-04-08. Review status: criteria provided, single submitter. Criteria: ACMG Guidelines, 2015. Collection method: clinical testing. Allele origin: germline.

Labcorp Genetics (formerly Invitae), Labcorp
Classification: Uncertain significance for Bardet-Biedl syndrome. Last evaluated: 2022-07-27. Review status: criteria provided, single submitter. Criteria: Invitae Variant Classification Sherloc (09022015). Collection method: clinical testing. Allele origin: germline.
Comment: This sequence change replaces threonine, which is neutral and polar, with methionine, which is neutral and non-polar, at codon 705 of the BBS12 protein (p.Thr705Met). This variant is present in population databases (rs372102223, gnomAD 0.02%). This variant has not been reported in the literature in individuals affected with BBS12-related conditions. ClinVar contains an entry for this variant (Variation ID: 858778). Algorithms developed to predict the effect of missense changes on protein structure and function are either unavailable or do not agree on the potential impact of this missense change (SIFT: "Deleterious"; PolyPhen-2: "Benign"; Align-GVGD: "Class C0"). In summary, the available evidence is currently insufficient to determine the role of this variant in disease. Therefore, it has been classified as a Variant of Uncertain Significance.

Revvity Omics, Revvity
Classification: Uncertain significance for Bardet-Biedl syndrome 12. Last evaluated: 2021-12-07. Review status: criteria provided, single submitter. Criteria: ACMG Guidelines, 2015. Collection method: clinical testing. Allele origin: germline.

GeneDx
Classification: Uncertain significance. Last evaluated: 2020-04-13. Review status: criteria provided, single submitter. Criteria: GeneDx Variant Classification Process June 2021. Collection method: clinical testing. Allele origin: germline. Affected: yes.
Comment: In silico analysis supports that this missense variant does not alter protein structure/function; Has not been previously published as pathogenic or benign to our knowledge

Natera, Inc.
Classification: Uncertain significance for Bardet-Biedl syndrome type 12. Last evaluated: 2020-01-24. Review status: no assertion criteria provided. Collection method: clinical testing. Allele origin: germline. Not counted in ClinVar's aggregate classification.

NM_152618.3(BBS12):c.2114C>T (p.Thr705Met)

Gene: BBS12 (Bardet-Biedl syndrome 12; plus strand). Cytogenetic location: 4q27.
Variant type: single nucleotide variant.
Coding change: c.2114C>T on transcript NM_152618.3 (MANE Select); coding-DNA position 2114, C replaced by T.
Protein change: p.Thr705Met; replaces threonine 705 with methionine.
Molecular consequence: missense variant.
Genome position (GRCh38, 1-based): chr4:122,744,006, C>T. VCF-style: chr4-122744006-C-T. GRCh37 (hg19) VCF-style: chr4-123665161-C-T.
Other names: c.2114C>T, p.Thr705Met (NM_001178007.2); short protein forms T705M.
Identifiers: ClinVar variation 858778 (VCV000858778.15), dbSNP rs372102223, ClinGen allele CA3069567.